The following is an entry in ClinVar:

ClinVar aggregate classification (germline): Uncertain significance (1 of 4 stars; one submission).

Conditions:
Hereditary cancer-predisposing syndrome. Also called: Tumor predisposition; Hereditary neoplastic syndrome; Hereditary Cancer Syndrome; Neoplastic Syndromes, Hereditary. Identifiers: Orphanet 140162, MedGen C0027672, MeSH D009386, MONDO:0015356.

Submission:

Ambry Genetics
Classification: Uncertain significance for Hereditary cancer-predisposing syndrome. Last evaluated: 2023-10-05. Review status: criteria provided, single submitter. Criteria: Ambry Variant Classification Scheme 2023. Collection method: clinical testing. Allele origin: germline.
Comment: The p.E114V variant (also known as c.341A>T), located in coding exon 5 of the SMARCE1 gene, results from an A to T substitution at nucleotide position 341. The glutamic acid at codon 114 is replaced by valine, an amino acid with dissimilar properties. This amino acid position is well conserved in available vertebrate species. In addition, the in silico prediction for this alteration is inconclusive. Missense and in-frame variants in SMARCE1 are known to cause neurodevelopmental disorders; however, such associations with increased risk of meningiomas are exceedingly rare (Kosho T et al. Am J Med Genet C Semin Med Genet. 2014 Sep;166C(3):262-75; Smith JM et al. Nat Genet. 2013 Mar;45(3):295-8). Since supporting evidence is limited at this time, the clinical significance of this alteration remains unclear.

NM_003079.5(SMARCE1):c.341A>T (p.Glu114Val)

Gene: SMARCE1 (SWI/SNF related BAF chromatin remodeling complex subunit E1; minus strand). Cytogenetic location: 17q21.2.
Variant type: single nucleotide variant.
Coding change: c.341A>T on transcript NM_003079.5 (MANE Select); coding-DNA position 341, A replaced by T.
Protein change: p.Glu114Val; replaces glutamic acid 114 with valine.
Molecular consequence: missense variant.
Genome position (GRCh38, 1-based): chr17:40,636,423, T>A on the plus strand (A>T on the coding strand, the complement: SMARCE1 is on the minus strand). VCF-style: chr17-40636423-T-A. GRCh37 (hg19) VCF-style: chr17-38792675-T-A.
Other names: short protein forms E114V.
Identifiers: ClinVar variation 3223096 (VCV003223096.1), dbSNP rs2508604552, ClinGen allele CA399367055.